The following is an entry in ClinVar:

NM_000384.3(APOB):c.5943dup (p.Lys1982fs)

Gene: APOB (apolipoprotein B; minus strand). Cytogenetic location: 2p24.1.
Variant type: Duplication.
Coding change: c.5943dup on transcript NM_000384.3 (MANE Select); coding-DNA position 5943, one base duplicated (G; older notation c.5943dupG).
Protein change: p.Lys1982fs; shifts the reading frame from lysine 1982.
Molecular consequence: frameshift variant.
Genome position (GRCh38, 1-based): chr2:21,010,925, C duplicated on the plus strand (G on the coding strand, the reverse complement: APOB is on the minus strand); the first of 2 consecutive C bases (chr2:21,010,925-21,010,926); duplicating either gives the same sequence. VCF-style (leftmost placement, unchanged base first): chr2-21010924-T-TC. GRCh37 (hg19) VCF-style: chr2-21233796-T-TC.
Other names: short protein forms K1982fs.
Identifiers: ClinVar variation 4533252 (VCV004533252.2).

ClinVar aggregate classification (germline): Likely pathogenic (1 of 4 stars; one submission).

Conditions:
Hypercholesterolemia, autosomal dominant, type B (FHCL2). Also called: Familial Hypercholesterolemia Type B; APOLIPOPROTEIN B-100, FAMILIAL DEFECTIVE; APOLIPOPROTEIN B-100, FAMILIAL LIGAND-DEFECTIVE; HYPERCHOLESTEROLEMIA, FAMILIAL, DUE TO LIGAND-DEFECTIVE APOLIPOPROTEIN B; Hyperlipoproteinemia Type IIb; Familial hypercholesterolemia 2. Identifiers: MedGen C1704417, MONDO:0007751, OMIM 144010.

Submission:

Juno Genomics, Hangzhou Juno Genomics, Inc
Classification: Likely pathogenic for Hypercholesterolemia, autosomal dominant, type B. Review status: criteria provided, single submitter. Criteria: ACMG Guidelines, 2015. Collection method: clinical testing. Allele origin: germline.
Comment: Absent from controls (or at extremely low frequency if recessive) in Genome Aggregation Database.;Null variant in a gene where loss of function (LOF) is a known mechanism of disease.